The following is an entry in ClinVar:

NM_000038.6(APC):c.5993A>C (p.Glu1998Ala)

Gene: APC (APC regulator of Wnt signaling pathway; plus strand). Cytogenetic location: 5q22.2.
Variant type: single nucleotide variant.
Coding change: c.5993A>C on transcript NM_000038.6 (MANE Select); coding-DNA position 5993, A replaced by C.
Protein change: p.Glu1998Ala; replaces glutamic acid 1998 with alanine.
Molecular consequence: missense variant. On other transcripts: non-coding transcript variant (2).
Genome position (GRCh38, 1-based): chr5:112,841,587, A>C. VCF-style: chr5-112841587-A-C. GRCh37 (hg19) VCF-style: chr5-112177284-A-C.
Other names: c.5963A>C, p.Glu1988Ala (NM_001407452.1); c.5816A>C, p.Glu1939Ala (NM_001407453.1, NM_001354901.2); c.5744A>C, p.Glu1915Ala (NM_001407454.1, NM_001407456.1, NM_001407457.1 and 1 more transcripts); c.5993A>C, p.Glu1998Ala (NM_001127510.3, NM_001354895.2, NM_001407450.1); c.5939A>C, p.Glu1980Ala (NM_001127511.3); c.6047A>C, p.Glu2016Ala (NM_001354896.2, NM_001407447.1, NM_001407448.1 and 1 more transcripts); c.6023A>C, p.Glu2008Ala (NM_001354897.2); c.5918A>C, p.Glu1973Ala (NM_001354898.2); and 11 more; short protein forms E1715A, E1897A, E1991A, E1614A, E1838A, E1872A, E1970A, E1973A.
Identifiers: ClinVar variation 2566971 (VCV002566971.3), dbSNP rs2149954424, ClinGen allele CA16034448.

ClinVar aggregate classification (germline): Uncertain significance. Review status: criteria provided, multiple submitters, no conflicts (2 of 4 stars). 2 submissions from 2 submitters: Uncertain significance (2). Last evaluated 2023-06-22.

Conditions:
Hereditary cancer-predisposing syndrome. Also called: Hereditary neoplastic syndrome; Hereditary Cancer Syndrome; Neoplastic Syndromes, Hereditary; Tumor predisposition. Identifiers: Orphanet 140162, MedGen C0027672, MeSH D009386, MONDO:0015356.
Familial adenomatous polyposis 1 (FAP1). Also called: POLYPOSIS, ADENOMATOUS INTESTINAL; FAMILIAL ADENOMATOUS POLYPOSIS 1, ATTENUATED. Identifiers: MedGen C2713442, MONDO:0021056, OMIM 175100. Disease mechanism: loss of function.

Submissions (2):

Neuberg Centre For Genomic Medicine, NCGM
Classification: Uncertain significance for Familial adenomatous polyposis 1. Last evaluated: 2023-06-22. Review status: criteria provided, single submitter. Criteria: ACMG Guidelines, 2015. Collection method: clinical testing. Allele origin: germline. Inheritance: Autosomal dominant inheritance. Affected: yes.
Comment: The observed missense variant c.5993A>C(p.Glu1998Ala) in APC gene has not been reported previously as a pathogenic variant nor as a benign variant, to our knowledge. This variant is absent in gnomAD Exomes. It has been submitted to ClinVar as Uncertain Significance. The amino acid Glu at position 1998 is changed to a Ala changing protein sequence and it might alter its composition and physico-chemical properties. Computational evidence (Polyphen-Benign, SIFT-Tolerated and MutationTaster-disease causing) predicts conflicting evidence on protein structure and function for this variant.The reference amino acid p.Glu1998Ala in APC is predicted as conserved by GERP++ and PhyloP across 100 vertebrates. For these reasons, this variant has been classified as Uncertain Significance.

Ambry Genetics
Classification: Uncertain significance for Hereditary cancer-predisposing syndrome. Last evaluated: 2023-04-18. Review status: criteria provided, single submitter. Criteria: Ambry Variant Classification Scheme 2023. Collection method: clinical testing. Allele origin: germline.
Comment: The p.E1998A variant (also known as c.5993A>C), located in coding exon 15 of the APC gene, results from an A to C substitution at nucleotide position 5993. The glutamic acid at codon 1998 is replaced by alanine, an amino acid with dissimilar properties. This amino acid position is conserved. In addition, in silico predictors for this gene do not accurately predict pathogenicity. Since supporting evidence is limited at this time, the clinical significance of this alteration remains unclear.